The following is an entry in ClinVar:

ClinVar aggregate classification (germline): Uncertain significance. Review status: criteria provided, single submitter (1 of 4 stars). 3 submissions from 3 submitters: Uncertain significance (1). 2 of the submissions do not count toward it. Last evaluated 2021-05-20.

Conditions:
Amyloidosis, hereditary systemic 6. Identifiers: MedGen C5935573, MONDO:0971010, OMIM 620659.
Hypoproteinemia, hypercatabolic (IMD43). Also called: MHC CLASS I DEFICIENCY 4; IMMUNODEFICIENCY 43; BETA-2-MICROGLOBULIN DEFICIENCY; B2M DEFICIENCY. Identifiers: MedGen C1855796, MONDO:0009434, OMIM 241600.
Familial visceral amyloidosis, Ostertag type (AMYLD2). Also called: Familial visceral amyloidosis; AMYLOIDOSIS VIII; AMYLOIDOSIS, HEREDITARY SYSTEMIC 2; Ostertag type amyloidosis; Amyloidosis, hepatic and systemic; Hereditary Renal Amyloidosis. Identifiers: Orphanet 85450, MedGen C0268389, MONDO:0007099, OMIM 105200.

Submissions (3):

Labcorp Genetics (formerly Invitae), Labcorp
Classification: Uncertain significance for Hypoproteinemia, hypercatabolic. Last evaluated: 2021-05-20. Review status: criteria provided, single submitter. Criteria: Invitae Variant Classification Sherloc (09022015). Collection method: clinical testing. Allele origin: germline.
Comment: The frequency data for this variant in the population databases is not available, as this variant may be reported as separate entries in the ExAC database. This variant has not been reported in the literature in individuals with B2M-related conditions. Algorithms developed to predict the effect of missense changes on protein structure and function are either unavailable or do not agree on the potential impact of this missense change (SIFT: "Not Available"; PolyPhen-2: "Probably Damaging"; Align-GVGD: "Not Available"). In summary, the available evidence is currently insufficient to determine the role of this variant in disease. Therefore, it has been classified as a Variant of Uncertain Significance. This sequence change replaces proline with leucine at codon 52 of the B2M protein (p.Pro52Leu). The proline residue is highly conserved and there is a moderate physicochemical difference between proline and leucine.

OMIM
Classification: Pathogenic for AMYLOIDOSIS, HEREDITARY SYSTEMIC 6. Last evaluated: 2024-05-20. Review status: no assertion criteria provided. Collection method: literature only. Allele origin: germline. Not counted in ClinVar's aggregate classification.

Amyloidosis Center, Boston University School of Medicine
Classification: Pathogenic for Familial visceral amyloidosis, Ostertag type. Review status: no assertion criteria provided. Collection method: clinical testing. Allele origin: unknown. Affected: yes. Observed: 1 heterozygote. Not counted in ClinVar's aggregate classification.
Comment: This study reports systemic hereditary AB2Mv amyloidosis linked to a new unique heterozygous dinucleotide mutation, c.154_155delinsTT in the B2M gene in three members of a Portuguese kinship. Two other family members had a history of amyloidosis. The disease presented with a novel pathologic P32L B2M variant in amyloid deposits.

Literature cited by the submitters: PubMed 35575118 (cited by OMIM); PubMed 37223323 (cited by OMIM).

NM_004048.4(B2M):c.154_155delinsTT (p.Pro52Leu)

Gene: B2M (beta-2-microglobulin; plus strand). Cytogenetic location: 15q21.1.
Variant type: Indel.
Coding change: c.154_155delinsTT on transcript NM_004048.4 (MANE Select); coding-DNA positions 154 to 155, CC replaced by TT.
Protein change: p.Pro52Leu; replaces proline 52 with leucine.
Molecular consequence: missense variant.
Genome position (GRCh38, 1-based): chr15:44,715,509-44,715,510, CC replaced by TT. VCF-style: chr15-44715509-CC-TT. GRCh37 (hg19) VCF-style: chr15-45007707-CC-TT.
Other names: B2M, PRO52LEU; c.154_155delCCinsTT, p.Pro52Leu (NM_004048.3); short protein forms P52L.
Identifiers: ClinVar variation 1048547 (VCV001048547.10), dbSNP rs2141288680, ClinGen allele CA2499222953.